The following is an entry in ClinVar:

NM_145059.3(FCSK):c.843C>G (p.Phe281Leu)

Gene: FCSK (fucose kinase; plus strand). Cytogenetic location: 16q22.1.
Variant type: single nucleotide variant.
Coding change: c.843C>G on transcript NM_145059.3 (MANE Select); coding-DNA position 843, C replaced by G.
Protein change: p.Phe281Leu; replaces phenylalanine 281 with leucine.
Molecular consequence: missense variant.
Genome position (GRCh38, 1-based): chr16:70,469,211, C>G. VCF-style: chr16-70469211-C-G. GRCh37 (hg19) VCF-style: chr16-70503114-C-G.
Other names: short protein forms F281L.
Identifiers: ClinVar variation 2024915 (VCV002024915.4), dbSNP rs2048529650, ClinGen allele CA396565918.

ClinVar aggregate classification (germline): Uncertain significance (1 of 4 stars; one submission).

Submission:

Labcorp Genetics (formerly Invitae), Labcorp
Classification: Uncertain significance. Last evaluated: 2022-08-19. Review status: criteria provided, single submitter. Criteria: Invitae Variant Classification Sherloc (09022015). Collection method: clinical testing. Allele origin: germline.
Comment: Algorithms developed to predict the effect of missense changes on protein structure and function are either unavailable or do not agree on the potential impact of this missense change (SIFT: "Deleterious"; PolyPhen-2: "Probably Damaging"; Align-GVGD: "Class C0"). In summary, the available evidence is currently insufficient to determine the role of this variant in disease. Therefore, it has been classified as a Variant of Uncertain Significance. This variant has not been reported in the literature in individuals affected with FUK-related conditions. This variant is not present in population databases (gnomAD no frequency). This sequence change replaces phenylalanine, which is neutral and non-polar, with leucine, which is neutral and non-polar, at codon 281 of the FUK protein (p.Phe281Leu).